The following is an entry in ClinVar:

NM_000257.4(MYH7):c.4496A>G (p.Lys1499Arg)

Genes: MHRT (myosin heavy chain associated RNA transcript; plus strand), MYH7 (myosin heavy chain 7; minus strand). Cytogenetic location: 14q11.2.
Variant type: single nucleotide variant.
Coding change: c.4496A>G on transcript NM_000257.4 (MANE Select); coding-DNA position 4496, A replaced by G.
Protein change: p.Lys1499Arg; replaces lysine 1499 with arginine.
Molecular consequence: missense variant.
Genome position (GRCh38, 1-based): chr14:23,417,176, T>C on the plus strand (A>G on the coding strand, the complement: MYH7 is on the minus strand). VCF-style: chr14-23417176-T-C. GRCh37 (hg19) VCF-style: chr14-23886385-T-C.
Other names: c.4496A>G, p.Lys1499Arg (NM_001407004.1); short protein forms K1499R.
Identifiers: ClinVar variation 2625316 (VCV002625316.2), dbSNP rs1334722181, ClinGen allele CA389038289.

ClinVar aggregate classification (germline): Uncertain significance (1 of 4 stars; one submission).

Conditions:
Cardiovascular phenotype. Identifiers: MedGen CN230736.

Allele frequency attached by ClinVar (database versions not stated): gnomAD exomes below 0.00001; TOPMed 0.00001.
gnomAD v4.1: 1 of 1,614,200 alleles (0.000062%); highest among the groups gnomAD compares: East Asian, 0.0022%; no homozygotes.

Submission:

Ambry Genetics
Classification: Uncertain significance for Cardiovascular phenotype. Last evaluated: 2023-08-28. Review status: criteria provided, single submitter. Criteria: Ambry Variant Classification Scheme 2023. Collection method: clinical testing. Allele origin: germline.
Comment: The p.K1499R variant (also known as c.4496A>G), located in coding exon 30 of the MYH7 gene, results from an A to G substitution at nucleotide position 4496. The lysine at codon 1499 is replaced by arginine, an amino acid with highly similar properties. This amino acid position is highly conserved in available vertebrate species. In addition, this alteration is predicted to be tolerated by in silico analysis. Since supporting evidence is limited at this time, the clinical significance of this alteration remains unclear.